The following is an entry in ClinVar:

ClinVar aggregate classification (germline): Uncertain significance (1 of 4 stars; one submission).

Submission:

Ambry Genetics
Classification: Uncertain significance. Last evaluated: 2025-06-15. Review status: criteria provided, single submitter. Criteria: Ambry Variant Classification Scheme 2023. Collection method: clinical testing. Allele origin: germline.
Comment: The p.A64T variant (also known as c.190G>A), located in coding exon 2 of the SRP72 gene, results from a G to A substitution at nucleotide position 190. The alanine at codon 64 is replaced by threonine, an amino acid with similar properties. This amino acid position is conserved. In addition, this alteration is predicted to be deleterious by in silico analysis. Based on the available evidence, the clinical significance of this variant remains unclear.

NM_006947.4(SRP72):c.190G>A (p.Ala64Thr)

Gene: SRP72 (signal recognition particle 72; plus strand). Cytogenetic location: 4q12.
Variant type: single nucleotide variant.
Coding change: c.190G>A on transcript NM_006947.4 (MANE Select); coding-DNA position 190, G replaced by A.
Protein change: p.Ala64Thr; replaces alanine 64 with threonine.
Molecular consequence: missense variant. On other transcripts: non-coding transcript variant (1).
Genome position (GRCh38, 1-based): chr4:56,469,733, G>A. VCF-style: chr4-56469733-G-A. GRCh37 (hg19) VCF-style: chr4-57335899-G-A.
Other names: c.190G>A, p.Ala64Thr (NM_001267722.2); short protein forms A64T.
Identifiers: ClinVar variation 4174893 (VCV004174893.1).